The following is an entry in ClinVar:

NM_005535.3(IL12RB1):c.1398G>A (p.Trp466Ter)

Gene: IL12RB1 (interleukin 12 receptor subunit beta 1; minus strand). Cytogenetic location: 19p13.11.
Variant type: single nucleotide variant.
Coding change: c.1398G>A on transcript NM_005535.3 (MANE Select); coding-DNA position 1398, G replaced by A.
Protein change: p.Trp466Ter; replaces tryptophan 466 with a stop codon.
Molecular consequence: nonsense.
Genome position (GRCh38, 1-based): chr19:18,066,627, C>T on the plus strand (G>A on the coding strand, the complement: IL12RB1 is on the minus strand). VCF-style: chr19-18066627-C-T. GRCh37 (hg19) VCF-style: chr19-18177437-C-T.
Other names: c.1398G>A, p.Trp466Ter (NM_001290023.2); c.1518G>A, p.Trp506Ter (NM_001290024.2); short protein forms W466*, W506*.
Identifiers: ClinVar variation 1452269 (VCV001452269.6), dbSNP rs754993079, ClinGen allele CA9304846.

ClinVar aggregate classification (germline): Pathogenic (1 of 4 stars; one submission).

Conditions:
Mendelian susceptibility to mycobacterial diseases due to complete IL12RB1 deficiency. Also called: IL12RB1 DEFICIENCY; Immunodeficiency 30. Identifiers: Orphanet 319552, MedGen C4013949, MONDO:0013955, OMIM 614891.

Allele frequency attached by ClinVar (database versions not stated): gnomAD 0.00001; ExAC 0.00002; gnomAD exomes 0.00002; TOPMed 0.00002.
gnomAD v4.1: 33 of 1,612,596 alleles (0.002%); highest among the groups gnomAD compares: South Asian, 0.0033%; no homozygotes.

Submission:

Labcorp Genetics (formerly Invitae), Labcorp
Classification: Pathogenic for Mendelian susceptibility to mycobacterial diseases due to complete IL12RB1 deficiency. Last evaluated: 2025-06-14. Review status: criteria provided, single submitter. Criteria: Invitae Variant Classification Sherloc (09022015). Collection method: clinical testing. Allele origin: germline.
Comment: This sequence change creates a premature translational stop signal (p.Trp466*) in the IL12RB1 gene. It is expected to result in an absent or disrupted protein product. Loss-of-function variants in IL12RB1 are known to be pathogenic (PMID: 9603733, 12591909). This variant is present in population databases (rs754993079, gnomAD 0.006%). This variant has not been reported in the literature in individuals affected with IL12RB1-related conditions. ClinVar contains an entry for this variant (Variation ID: 1452269). For these reasons, this variant has been classified as Pathogenic.

Literature cited by the submitters: PubMed 9603733; PubMed 12591909.